The following is an entry in ClinVar:

ClinVar aggregate classification (germline): Uncertain significance (1 of 4 stars; one submission).

Conditions:
Tuberous sclerosis 2 (TSC2). Identifiers: Orphanet 805, MedGen C1860707, MONDO:0013199, OMIM 613254.

Submission:

Labcorp Genetics (formerly Invitae), Labcorp
Classification: Uncertain significance for Tuberous sclerosis 2. Last evaluated: 2023-11-13. Review status: criteria provided, single submitter. Criteria: Invitae Variant Classification Sherloc (09022015). Collection method: clinical testing. Allele origin: germline.
Comment: This sequence change replaces isoleucine, which is neutral and non-polar, with threonine, which is neutral and polar, at codon 127 of the TSC2 protein (p.Ile127Thr). This variant is not present in population databases (gnomAD no frequency). This variant has not been reported in the literature in individuals affected with TSC2-related conditions. Advanced modeling of protein sequence and biophysical properties (such as structural, functional, and spatial information, amino acid conservation, physicochemical variation, residue mobility, and thermodynamic stability) performed at Invitae indicates that this missense variant is not expected to disrupt TSC2 protein function with a negative predictive value of 95%. In summary, the available evidence is currently insufficient to determine the role of this variant in disease. Therefore, it has been classified as a Variant of Uncertain Significance.

NM_000548.5(TSC2):c.380T>C (p.Ile127Thr)

Gene: TSC2 (TSC complex subunit 2; plus strand). Cytogenetic location: 16p13.3.
Variant type: single nucleotide variant.
Coding change: c.380T>C on transcript NM_000548.5 (MANE Select); coding-DNA position 380, T replaced by C.
Protein change: p.Ile127Thr; replaces isoleucine 127 with threonine.
Molecular consequence: missense variant. On other transcripts: 5 prime UTR variant (14), non-coding transcript variant (5), intron variant (6).
Genome position (GRCh38, 1-based): chr16:2,054,339, T>C. VCF-style: chr16-2054339-T-C. GRCh37 (hg19) VCF-style: chr16-2104340-T-C.
Other names: c.380T>C, p.Ile127Thr (NM_001077183.3, NM_001114382.3, NM_001363528.2 and 8 more transcripts); c.269T>C, p.Ile90Thr (NM_001318827.2, NM_001406670.1, NM_001406678.1); c.233T>C, p.Ile78Thr (NM_001318829.2, NM_001406675.1, NM_001406676.1 and 1 more transcripts); c.413T>C, p.Ile138Thr (NM_001318832.2); c.470T>C, p.Ile157Thr (NM_001406667.1, NM_001406668.1); c.323T>C, p.Ile108Thr (NM_001406677.1); c.-437T>C (NM_001406680.1, NM_001406683.1, NM_001406687.1); c.-66T>C (NM_001406681.1); and 6 more; short protein forms I127T, I108T, I78T, I138T, I157T, I90T.
Identifiers: ClinVar variation 2695439 (VCV002695439.3), dbSNP rs2151041304, ClinGen allele CA394306795.
Genomic context (GRCh38, chr16:2,054,339, plus strand): 5'-GTGGCTTTTGTCTTTAGGGCGAGCGTTTGGGGGTCCTCAGAGCCCTCTTCTTTAAGGTCA[T>C]CAAGGATTACCCTTCCAACGAAGACCTTCACGAAAGGCTGGAGGTTTTCAAGGCCCTCAC-3'
Protein context (NP_000539.2, residues 117-137): GVLRALFFKV[Ile127Thr]KDYPSNEDLH